The following is an entry in ClinVar:

ClinVar aggregate classification (germline): Uncertain significance (1 of 4 stars; one submission).

Conditions:
Neuropathy, hereditary sensory and autonomic, type 2A (HSAN2A). Also called: HSAN IIA; MORVAN DISEASE; NEUROPATHY, CONGENITAL SENSORY; NEUROPATHY, HEREDITARY SENSORY RADICULAR, AUTOSOMAL RECESSIVE; NEUROPATHY, HEREDITARY SENSORY, TYPE IIA; NEUROPATHY, PROGRESSIVE SENSORY, OF CHILDREN. Identifiers: Orphanet 970, MedGen C2752089, MONDO:0024309, OMIM 201300.
Generalized epilepsy with febrile seizures plus, type 7 (GEFSP7). Also called: GEFS+, TYPE 7. Identifiers: Orphanet 36387, MedGen C2751778, MONDO:0013470, OMIM 613863.

Submission:

Labcorp Genetics (formerly Invitae), Labcorp
Classification: Uncertain significance for Neuropathy, hereditary sensory and autonomic, type 2A; Generalized epilepsy with febrile seizures plus, type 7. Last evaluated: 2022-08-09. Review status: criteria provided, single submitter. Criteria: Invitae Variant Classification Sherloc (09022015). Collection method: clinical testing. Allele origin: germline.
Comment: In summary, the available evidence is currently insufficient to determine the role of this variant in disease. Therefore, it has been classified as a Variant of Uncertain Significance. ClinVar contains an entry for this variant (Variation ID: 839063). This variant has not been reported in the literature in individuals affected with SCN9A-related conditions. This variant is present in population databases (no rsID available, gnomAD 0.003%). This sequence change creates a premature translational stop signal (p.Thr1935Asnfs*14) in the SCN9A gene. While this is not anticipated to result in nonsense mediated decay, it is expected to disrupt the last 43 amino acid(s) of the SCN9A protein.

NM_001365536.1(SCN9A):c.5836dup (p.Thr1946fs)

Genes: SCN1A-AS1 (SCN1A and SCN9A antisense RNA 1; plus strand), SCN9A (sodium voltage-gated channel alpha subunit 9; minus strand). Cytogenetic location: 2q24.3.
Variant type: Duplication.
Coding change: c.5836dup on transcript NM_001365536.1 (MANE Select); coding-DNA position 5836, one base duplicated (A; older notation c.5836dupA).
Protein change: p.Thr1946fs; shifts the reading frame from threonine 1946.
Molecular consequence: frameshift variant.
Genome position (GRCh38, 1-based): chr2:166,198,803, T duplicated on the plus strand (A on the coding strand, the reverse complement: SCN9A is on the minus strand); the first of 6 consecutive T bases (chr2:166,198,803-166,198,808); duplicating any one gives the same sequence. VCF-style (leftmost placement, unchanged base first): chr2-166198802-G-GT. GRCh37 (hg19) VCF-style: chr2-167055312-G-GT.
Other names: c.5798dup, p.Thr1935Asnfs (NM_002977.4); short protein forms T1946fs, T1935fs.
Identifiers: ClinVar variation 839063 (VCV000839063.8), dbSNP rs1558938569, ClinGen allele CA537508630.
Genomic context (GRCh38, chr2:166,198,802, plus strand): 5'-TTGTCTGGCTTTGTTACACTATCATATGAAGGTGGAGAGGTGGTGGATGAAGTGGCATCT[G>GT]TTTTTTCTGGACTTGAGTTCTCATTAACATTATCAAAAGCCATATCTTTTTTATTGAGTA-3'